The following is an entry in ClinVar:

NM_016148.5(SHANK1):c.5261C>T (p.Pro1754Leu)

Gene: SHANK1 (SH3 and multiple ankyrin repeat domains 1; minus strand). Cytogenetic location: 19q13.33.
Variant type: single nucleotide variant.
Coding change: c.5261C>T on transcript NM_016148.5 (MANE Select); coding-DNA position 5261, C replaced by T.
Protein change: p.Pro1754Leu; replaces proline 1754 with leucine.
Molecular consequence: missense variant.
Genome position (GRCh38, 1-based): chr19:50,666,699, G>A on the plus strand (C>T on the coding strand, the complement: SHANK1 is on the minus strand). VCF-style: chr19-50666699-G-A. GRCh37 (hg19) VCF-style: chr19-51169956-G-A.
Other names: short protein forms P1754L.
Identifiers: ClinVar variation 2663126 (VCV002663126.1), dbSNP rs1985533025, ClinGen allele CA407007727.

ClinVar aggregate classification (germline): Uncertain significance (1 of 4 stars; one submission).

Allele frequency attached by ClinVar (database versions not stated): TOPMed 0.00002.
gnomAD v4.1: 2 of 1,584,256 alleles (0.00013%); highest among the groups gnomAD compares: Non-Finnish European, 0.000086%; no homozygotes.

Submission:

GeneDx
Classification: Uncertain significance. Last evaluated: 2023-05-10. Review status: criteria provided, single submitter. Criteria: GeneDx Variant Classification Process June 2021. Collection method: clinical testing. Allele origin: germline. Affected: yes.
Comment: Not observed at significant frequency in large population cohorts (gnomAD); In silico analysis supports that this missense variant has a deleterious effect on protein structure/function; Has not been previously published as pathogenic or benign to our knowledge